The following is an entry in ClinVar:

ClinVar aggregate classification (germline): Uncertain significance (1 of 4 stars; one submission).

Submission:

Labcorp Genetics (formerly Invitae), Labcorp
Classification: Uncertain significance. Last evaluated: 2025-06-01. Review status: criteria provided, single submitter. Criteria: Invitae Variant Classification Sherloc (09022015). Collection method: clinical testing. Allele origin: germline.
Comment: This sequence change replaces isoleucine, which is neutral and non-polar, with valine, which is neutral and non-polar, at codon 1325 of the ABCC6 protein (p.Ile1325Val). This variant is not present in population databases (gnomAD no frequency). This variant has not been reported in the literature in individuals affected with ABCC6-related conditions. Invitae Evidence Modeling of protein sequence and biophysical properties (such as structural, functional, and spatial information, amino acid conservation, physicochemical variation, residue mobility, and thermodynamic stability) has been performed for this missense variant. However, the output from this modeling did not meet the statistical confidence thresholds required to predict the impact of this variant on ABCC6 protein function. In summary, the available evidence is currently insufficient to determine the role of this variant in disease. Therefore, it has been classified as a Variant of Uncertain Significance.

NM_001171.6(ABCC6):c.3973A>G (p.Ile1325Val)

Gene: ABCC6 (ATP binding cassette subfamily C member 6; minus strand). Cytogenetic location: 16p13.11.
Variant type: single nucleotide variant.
Coding change: c.3973A>G on transcript NM_001171.6 (MANE Select); coding-DNA position 3973, A replaced by G.
Protein change: p.Ile1325Val; replaces isoleucine 1325 with valine.
Molecular consequence: missense variant. On other transcripts: non-coding transcript variant (4).
Genome position (GRCh38, 1-based): chr16:16,154,941, T>C on the plus strand (A>G on the coding strand, the complement: ABCC6 is on the minus strand). VCF-style: chr16-16154941-T-C. GRCh37 (hg19) VCF-style: chr16-16248798-T-C.
Other names: c.3631A>G, p.Ile1211Val (NM_001351800.1); c.3940A>G, p.Ile1314Val (NM_001440309.1); c.3805A>G, p.Ile1269Val (NM_001440310.1); short protein forms I1314V, I1211V, I1269V, I1325V.
Identifiers: ClinVar variation 4773627 (VCV004773627.1).
Genomic context (GRCh38, chr16:16,154,941, plus strand): 5'-TGATGCTGATCCTGGAGCGCAGTGTGTGCAGCCCCACGTGGGCAATGGGGACCCCGTCGA[T>C]CCAGATCCCACCCTCAGCTGCCTCCTGGAGCCGCAGCAGCCCACTGGCCAGGGAGGACTT-3'
Protein context (NP_001162.5, residues 1315-1335): LQEAAEGGIW[Ile1325Val]DGVPIAHVGL